The following is an entry in ClinVar:

ClinVar aggregate classification (germline): Likely benign. Review status: criteria provided, single submitter (1 of 4 stars). 2 submissions from 2 submitters: Likely benign (1). 1 of the submissions does not count toward it. Last evaluated 2025-01-28.

Conditions:
Fanconi anemia (FA). Also called: Fanconi's anemia. Identifiers: Orphanet 84, MedGen C0015625, MeSH D005199, MONDO:0019391.

Allele frequency attached by ClinVar (database versions not stated): gnomAD 0.00001.
gnomAD v4.1: 7 of 1,613,164 alleles (0.00043%); highest among the groups gnomAD compares: Admixed American, 0.0017%; no homozygotes.

Submissions (2):

Labcorp Genetics (formerly Invitae), Labcorp
Classification: Likely benign for Fanconi anemia. Last evaluated: 2025-01-28. Review status: criteria provided, single submitter. Criteria: Invitae Variant Classification Sherloc (09022015). Collection method: clinical testing. Allele origin: germline.

Leiden Open Variation Database
Classification: Likely benign. Last evaluated: 2012-08-31. Review status: no assertion criteria provided. Collection method: curation. Allele origin: germline. Affected: yes. Not counted in ClinVar's aggregate classification.
Comment: Curator: Arleen D. Auerbach. Submitter to LOVD: Janine Bakker.

Literature cited by the submitters: PubMed 22911665 (cited by Leiden Open Variation Database).

NM_032444.4(SLX4):c.4887C>T (p.Leu1629=)

Gene: SLX4 (SLX4 structure-specific endonuclease subunit; minus strand). Cytogenetic location: 16p13.3.
Variant type: single nucleotide variant.
Coding change: c.4887C>T on transcript NM_032444.4 (MANE Select); coding-DNA position 4887, C replaced by T.
Protein change: p.Leu1629=; no amino-acid change (leucine 1629 retained).
Molecular consequence: synonymous variant.
Genome position (GRCh38, 1-based): chr16:3,583,363, G>A on the plus strand (C>T on the coding strand, the complement: SLX4 is on the minus strand). VCF-style: chr16-3583363-G-A. GRCh37 (hg19) VCF-style: chr16-3633364-G-A.
Identifiers: ClinVar variation 929616 (VCV000929616.7), dbSNP rs761814315, ClinGen allele CA493390774.